The following is an entry in ClinVar:

NM_030912.3(TRIM8):c.872A>G (p.Asp291Gly)

Gene: TRIM8 (tripartite motif containing 8; plus strand). Cytogenetic location: 10q24.32.
Variant type: single nucleotide variant.
Coding change: c.872A>G on transcript NM_030912.3 (MANE Select); coding-DNA position 872, A replaced by G.
Protein change: p.Asp291Gly; replaces aspartic acid 291 with glycine.
Molecular consequence: missense variant. On other transcripts: non-coding transcript variant (1).
Genome position (GRCh38, 1-based): chr10:102,655,285, A>G. VCF-style: chr10-102655285-A-G. GRCh37 (hg19) VCF-style: chr10-104415042-A-G.
Other names: c.776A>G, p.Asp259Gly (NM_001345950.1); short protein forms D259G, D291G.
Identifiers: ClinVar variation 3766094 (VCV003766094.1).
Genomic context (GRCh38, chr10:102,655,285, plus strand): 5'-ACCTCGGGGAGCGCATGCAGGAGGCCAAGAAGCTGCTGGGCTCCCTGCAGCTGCTCTTTG[A>G]TAAGACGGAGGATGTCAGCTTCATGAAGGTGGGCTGGGCTCAGGACCAGGCTGGTGGCAC-3'
Protein context (NP_112174.2, residues 281-301): KLLGSLQLLF[Asp291Gly]KTEDVSFMKN

ClinVar aggregate classification (germline): Uncertain significance (1 of 4 stars; one submission).

Submission:

GeneDx
Classification: Uncertain significance. Last evaluated: 2024-08-27. Review status: criteria provided, single submitter. Criteria: GeneDx Variant Classification Process June 2021. Collection method: clinical testing. Allele origin: germline. Affected: yes.
Comment: Not observed in large population cohorts (gnomAD); In silico analysis suggests that this missense variant does not alter protein structure/function, but splice predictors indicate that the variant may lead to abnormal gene splicing; Has not been previously published as pathogenic or benign to our knowledge